The following is an entry in ClinVar:

NM_000094.4(COL7A1):c.2681A>T (p.Gln894Leu)

Gene: COL7A1 (collagen type VII alpha 1 chain; minus strand). Cytogenetic location: 3p21.31.
Variant type: single nucleotide variant.
Coding change: c.2681A>T on transcript NM_000094.4 (MANE Select); coding-DNA position 2681, A replaced by T.
Protein change: p.Gln894Leu; replaces glutamine 894 with leucine.
Molecular consequence: missense variant.
Genome position (GRCh38, 1-based): chr3:48,588,311, T>A on the plus strand (A>T on the coding strand, the complement: COL7A1 is on the minus strand). VCF-style: chr3-48588311-T-A. GRCh37 (hg19) VCF-style: chr3-48625744-T-A.
Other names: short protein forms Q894L.
Identifiers: ClinVar variation 2053975 (VCV002053975.2), dbSNP rs377293388, ClinGen allele CA73987070.

ClinVar aggregate classification (germline): Uncertain significance. Review status: criteria provided, multiple submitters, no conflicts (2 of 4 stars). 2 submissions from 2 submitters: Uncertain significance (2). Last evaluated 2024-01-04.

Conditions:
Inborn genetic diseases. Identifiers: MedGen C0950123, MeSH D030342.

gnomAD v4.1: 1 of 1,612,944 alleles (0.000062%); no homozygotes.

Submissions (2):

Ambry Genetics
Classification: Uncertain significance for Inborn genetic diseases. Last evaluated: 2024-01-04. Review status: criteria provided, single submitter. Criteria: Ambry Variant Classification Scheme 2023. Collection method: clinical testing. Allele origin: germline.

Labcorp Genetics (formerly Invitae), Labcorp
Classification: Uncertain significance. Last evaluated: 2021-12-22. Review status: criteria provided, single submitter. Criteria: Invitae Variant Classification Sherloc (09022015). Collection method: clinical testing. Allele origin: germline.
Comment: This sequence change replaces glutamine, which is neutral and polar, with leucine, which is neutral and non-polar, at codon 894 of the COL7A1 protein (p.Gln894Leu). This variant is not present in population databases (gnomAD no frequency). This variant has not been reported in the literature in individuals affected with COL7A1-related conditions. Advanced modeling of protein sequence and biophysical properties (such as structural, functional, and spatial information, amino acid conservation, physicochemical variation, residue mobility, and thermodynamic stability) performed at Invitae indicates that this missense variant is not expected to disrupt COL7A1 protein function. In summary, the available evidence is currently insufficient to determine the role of this variant in disease. Therefore, it has been classified as a Variant of Uncertain Significance.